The following is an entry in ClinVar:

NM_001330288.2(SMARCC2):c.508G>T (p.Asp170Tyr)

Gene: SMARCC2 (SWI/SNF related BAF chromatin remodeling complex subunit C2; minus strand). Cytogenetic location: 12q13.2.
Variant type: single nucleotide variant.
Coding change: c.508G>T on transcript NM_001330288.2 (MANE Select); coding-DNA position 508, G replaced by T.
Protein change: p.Asp170Tyr; replaces aspartic acid 170 with tyrosine.
Molecular consequence: missense variant.
Genome position (GRCh38, 1-based): chr12:56,184,229, C>A on the plus strand (G>T on the coding strand, the complement: SMARCC2 is on the minus strand). VCF-style: chr12-56184229-C-A. GRCh37 (hg19) VCF-style: chr12-56578013-C-A.
Other names: c.508G>T, p.Asp170Tyr (NM_001130420.3, NM_003075.5, NM_139067.4); short protein forms D170Y.
Identifiers: ClinVar variation 4537749 (VCV004537749.1).
Genomic context (GRCh38, chr12:56,184,229, plus strand): 5'-TCTCACCTTCTTCTAGATTCCCCGGGACAGGATACACAACATGGGAGGCATTGTTCTTAT[C>A]CTCAGTGACTGTTCCCTGGATGGTAAAAGGAGAAGCGGGTAAATTATGGTCCCCTCTGAA-3'
Protein context (NP_001317217.1, residues 160-180): IKRHQGTVTE[Asp170Tyr]KNNASHVVYP

ClinVar aggregate classification (germline): Uncertain significance (1 of 4 stars; one submission).

Submission:

GeneDx
Classification: Uncertain significance. Last evaluated: 2025-06-12. Review status: criteria provided, single submitter. Criteria: GeneDx Variant Classification Process June 2021. Collection method: clinical testing. Allele origin: germline. Affected: yes.
Comment: Not observed at significant frequency in large population cohorts (gnomAD); In silico analysis supports that this missense variant has a deleterious effect on protein structure/function; Has not been previously published as pathogenic or benign to our knowledge